The following is an entry in ClinVar:

NM_177438.3(DICER1):c.5222ACA[1] (p.Asn1742del)

Gene: DICER1 (dicer 1, ribonuclease III; minus strand). Cytogenetic location: 14q32.13.
Variant type: Microsatellite.
Coding change: c.5222ACA[1] on transcript NM_177438.3 (MANE Select); one copy of the 3-base unit ACA starting at c.5222; the reference has two copies in a row; one copy, 3 bases deleted.
Protein change: p.Asn1742del; deletes asparagine 1742.
Molecular consequence: inframe deletion.
Genome position (GRCh38, 1-based): chr14:95,094,025-95,094,027, TGT deleted on the plus strand (ACA on the coding strand, the reverse complement: DICER1 is on the minus strand); deleting any 3 consecutive bases within chr14:95,094,025-95,094,032 gives the same sequence; the position shown is the placement nearest the transcript's 3' end. VCF-style (leftmost placement, unchanged base first): chr14-95094024-GTGT-G. GRCh37 (hg19) VCF-style: chr14-95560361-GTGT-G.
Other names: NM_177438.3(DICER1):c.5222ACA[1]; p.Asn1742del; c.5225_5227delACA (NM_177438.2, NM_030621.4); c.5222ACA[1], p.Asn1742del (NM_030621.4, NM_001195573.1, NM_001271282.3 and 1 more transcripts); short protein forms N1742del.
Identifiers: ClinVar variation 690481 (VCV000690481.14), dbSNP rs1595330360, ClinGen allele CA915946357.

ClinVar aggregate classification (germline): Likely pathogenic. Review status: reviewed by expert panel (3 of 4 stars). 4 submissions from 4 submitters: Likely pathogenic (1). 3 of the submissions do not count toward it. Last evaluated 2025-08-26.

Conditions:
DICER1-related tumor predisposition. Also called: DICER1-related pleuropulmonary blastoma cancer predisposition syndrome; DICER1 syndrome. Identifiers: Orphanet 284343, MedGen C3839822, MONDO:0100216.
Hereditary cancer-predisposing syndrome. Also called: Neoplastic Syndromes, Hereditary; Tumor predisposition; Hereditary neoplastic syndrome; Hereditary Cancer Syndrome. Identifiers: Orphanet 140162, MedGen C0027672, MeSH D009386, MONDO:0015356.

Submissions (4):

ClinGen DICER1 and miRNA-Processing Gene Variant Curation Expert Panel, ClinGen
Classification: Likely pathogenic for DICER1-related tumor predisposition. Last evaluated: 2025-08-26. Review status: reviewed by expert panel. Criteria: ClinGen DICER1 ACMG Specifications DICER1 V1.4.0. Collection method: curation. Allele origin: germline. Inheritance: Autosomal dominant inheritance.
Comment: The NM_177438.3:c.5225_5227del variant is predicted to cause a change in the length of the protein (p.Asn1742del) due to an in-frame deletion of one amino acid in a non-repeat region within the RNase IIIb domain (PM4). This variant received a total of 1 phenotype point in a single proband meeting DICER1 VCEP phenotype specificity scoring criteria of 1-1.5 points (PS4_Supporting; PMID: 31067372). At least one patient with this variant was found to have a somatic second hit in a recognized DICER1 hotspot codon on tumor sequencing, which is highly specific for DICER1-related tumor predisposition (PP4, PMID: 31067372). This variant is absent from gnomAD v4.1.0 (PM2_Supporting). In vitro cleavage assay carried out using immunopurified DICER1 variant p.Asn1742del showed that this variant reduces the capacity of the protein to produce 5p/3p microRNAs from a pre-miRNA, indicating that this variant impacts protein function (PS3_Supporting; PMID: 31067372). In summary, this variant meets the criteria to be classified as Likely Pathogenic for DICER1-related tumor predisposition based on the ACMG/AMP criteria applied, as specified by the ClinGen DICER1 VCEP: PM4, PS4_Supporting, PP4, PM2_Supporting, PS3_Supporting. (Bayesian Points: 6; VCEP specifications version 1.4.0; 08/26/2025)

Ambry Genetics
Classification: Likely pathogenic for Hereditary cancer-predisposing syndrome. Last evaluated: 2025-04-15. Review status: criteria provided, single submitter. Criteria: Ambry Variant Classification Scheme 2023. Collection method: clinical testing. Allele origin: germline. Not counted in ClinVar's aggregate classification.
Comment: The c.5225_5227delACA variant (also known as p.N1742del) is located in coding exon 23 of the DICER1 gene. This variant results from an in-frame ACA deletion at nucleotide positions 5225 to 5227. This results in the in-frame deletion of an asparagine at codon 1742. This variant was reported in individual(s) with features consistent with DICER1-related tumor predisposition syndrome, and has been detected in conjunction with a well-established somatic DICER1 mutation in affected tissue (Apellaniz-Ruiz M et al. N Engl J Med, 2019 May;380:1834-1842; Ambry internal data). In an assay testing DICER1 function, this variant showed a functionally abnormal result (Apellaniz-Ruiz M et al. N Engl J Med, 2019 May;380:1834-1842). Based on internal structural analysis, this variant is more disruptive than known pathogenic variants (Takeshita D et al. J Mol Biol, 2007 Nov;374:106-20; Ambry internal data). This variant is considered to be rare based on population cohorts in the Genome Aggregation Database (gnomAD). This amino acid position is highly conserved in available vertebrate species. In addition, this alteration is predicted to be deleterious by in silico analysis (Choi Y et al. PLoS ONE. 2012; 7(10):e46688). Based on the majority of available evidence to date, this variant is likely to be pathogenic.

Labcorp Genetics (formerly Invitae), Labcorp
Classification: Likely pathogenic for DICER1-related tumor predisposition. Last evaluated: 2023-04-24. Review status: criteria provided, single submitter. Criteria: Invitae Variant Classification Sherloc (09022015). Collection method: clinical testing. Allele origin: germline. Not counted in ClinVar's aggregate classification.
Comment: In summary, the currently available evidence indicates that the variant is pathogenic, but additional data are needed to prove that conclusively. Therefore, this variant has been classified as Likely Pathogenic. Experimental studies have shown that this variant affects DICER1 function (PMID: 31067372). Algorithms developed to predict the effect of variants on protein structure and function are not available or were not evaluated for this variant. This variant has been observed in individual(s) with clinical features of DICER1 syndrome and/or DICER1 syndrome (PMID: 31067372; Invitae). It has also been observed to segregate with disease in related individuals. This variant is not present in population databases (gnomAD no frequency). This variant, c.5225_5227del, results in the deletion of 1 amino acid(s) of the DICER1 protein (p.Asn1742del), but otherwise preserves the integrity of the reading frame.

PreventionGenetics, part of Exact Sciences
Classification: Uncertain significance. Last evaluated: 2018-02-19. Review status: criteria provided, single submitter. Criteria: ACMG Guidelines, 2015. Collection method: clinical testing. Allele origin: germline. Not counted in ClinVar's aggregate classification.

Literature cited by the submitters: PubMed 17920623 (cited by Ambry Genetics); PubMed 31067372 (cited by Ambry Genetics and Labcorp Genetics (formerly Invitae), Labcorp).